The following is an entry in ClinVar:

NM_130384.3(ATRIP):c.644T>C (p.Leu215Pro)

Genes: ATRIP (ATR interacting protein; plus strand), ATRIP-TREX1 (ATRIP-TREX1 readthrough; plus strand). Cytogenetic location: 3p21.31.
Variant type: single nucleotide variant.
Coding change: c.644T>C on transcript NM_130384.3 (MANE Select); coding-DNA position 644, T replaced by C.
Protein change: p.Leu215Pro; replaces leucine 215 with proline.
Molecular consequence: missense variant. On other transcripts: non-coding transcript variant (1).
Genome position (GRCh38, 1-based): chr3:48,454,391, T>C. VCF-style: chr3-48454391-T-C. GRCh37 (hg19) VCF-style: chr3-48495791-T-C.
Other names: c.263T>C, p.Leu88Pro (NM_001271022.2); c.365T>C, p.Leu122Pro (NM_001271023.2); c.644T>C, p.Leu215Pro (NM_032166.4); short protein forms L215P, L88P, L122P.
Identifiers: ClinVar variation 2488181 (VCV002488181.3), dbSNP rs2039905608, ClinGen allele CA352713073.

ClinVar aggregate classification (germline): Uncertain significance (1 of 4 stars; one submission).

Allele frequency attached by ClinVar (database versions not stated): gnomAD exomes below 0.00001; TOPMed below 0.00001.

Submission:

Ambry Genetics
Classification: Uncertain significance. Last evaluated: 2024-11-23. Review status: criteria provided, single submitter. Criteria: Ambry Variant Classification Scheme 2023. Collection method: clinical testing. Allele origin: germline.
Comment: The p.L215P variant (also known as c.644T>C), located in coding exon 4 of the ATRIP gene, results from a T to C substitution at nucleotide position 644. The leucine at codon 215 is replaced by proline, an amino acid with similar properties. This amino acid position is conserved. In addition, this alteration is predicted to be tolerated by in silico analysis. Based on the available evidence, the clinical significance of this variant remains unclear.